The following is an entry in ClinVar:

ClinVar aggregate classification (germline): Likely benign (1 of 4 stars; one submission).

gnomAD v4.1: 5 of 1,209,307 alleles (0.00041%); highest among the groups gnomAD compares: Non-Finnish European, 0.00045%; no homozygotes.

Submission:

CeGaT Center for Human Genetics Tuebingen
Classification: Likely benign. Last evaluated: 2024-08-01. Review status: criteria provided, single submitter. Criteria: CeGaT Center For Human Genetics Tuebingen Variant Classification Criteria Version 2. Collection method: clinical testing. Allele origin: germline. Affected: yes. Observed: 1 variant allele.
Comment: FRMPD4: BP4, BP7

NM_001368397.1(FRMPD4):c.1026C>T (p.Thr342=)

Gene: FRMPD4 (FERM and PDZ domain containing 4; plus strand). Cytogenetic location: Xp22.2.
Variant type: single nucleotide variant.
Coding change: c.1026C>T on transcript NM_001368397.1 (MANE Select); coding-DNA position 1026, C replaced by T.
Protein change: p.Thr342=; no amino-acid change (threonine 342 retained).
Molecular consequence: synonymous variant.
Genome position (GRCh38, 1-based): chrX:12,701,966, C>T. VCF-style: chrX-12701966-C-T. GRCh37 (hg19) VCF-style: chrX-12720085-C-T.
Other names: c.1137C>T, p.Thr379= (NM_001368395.3, NM_001368398.3); c.1032C>T, p.Thr344= (NM_001368396.3); c.1017C>T, p.Thr339= (NM_001368399.3); c.906C>T, p.Thr302= (NM_001368400.3); c.1002C>T, p.Thr334= (NM_001368401.1, NM_001368402.3); c.1026C>T, p.Thr342= (NM_014728.3).
Identifiers: ClinVar variation 3341743 (VCV003341743.16).